The following is an entry in ClinVar:

ClinVar aggregate classification (germline): Uncertain significance (1 of 4 stars; one submission).

Conditions:
Hereditary cancer-predisposing syndrome. Also called: Tumor predisposition; Neoplastic Syndromes, Hereditary; Hereditary Cancer Syndrome; Hereditary neoplastic syndrome. Identifiers: Orphanet 140162, MedGen C0027672, MeSH D009386, MONDO:0015356.

Submission:

Ambry Genetics
Classification: Uncertain significance for Hereditary cancer-predisposing syndrome. Last evaluated: 2015-10-13. Review status: criteria provided, single submitter. Criteria: Ambry Variant Classification Scheme 2023. Collection method: clinical testing. Allele origin: germline.
Comment: The p.T378N variant (also known as c.1133C>A), located in coding exon 10 of the CHEK2 gene, results from a C to A substitution at nucleotide position 1133. The threonine at codon 378 is replaced by asparagine, an amino acid with similar properties. This variant was not reported in population based cohorts in the following databases: Database of Single Nucleotide Polymorphisms (dbSNP), NHLBI Exome Sequencing Project (ESP), and 1000 Genomes Project. In the ESP, this variant was not observed in 6503 samples (13006 alleles) with coverage at this position. To date, this alteration has been detected with an allele frequency of approximately 0.001% (greater than 72000 alleles tested) in our clinical cohort. In addition, this alteration is predicted to be tolerated by in silico analysis. Since supporting evidence is limited at this time, the clinical significance of p.T378N remains unclear.

NM_007194.4(CHEK2):c.1133C>A (p.Thr378Asn)

Gene: CHEK2 (checkpoint kinase 2; minus strand). Cytogenetic location: 22q12.1.
Variant type: single nucleotide variant.
Coding change: c.1133C>A on transcript NM_007194.4 (MANE Select); coding-DNA position 1133, C replaced by A.
Protein change: p.Thr378Asn; replaces threonine 378 with asparagine.
Molecular consequence: missense variant.
Genome position (GRCh38, 1-based): chr22:28,695,836, G>T on the plus strand (C>A on the coding strand, the complement: CHEK2 is on the minus strand). VCF-style: chr22-28695836-G-T. GRCh37 (hg19) VCF-style: chr22-29091824-G-T.
Other names: c.1262C>A, p.Thr421Asn (NM_001005735.3); c.470C>A, p.Thr157Asn (NM_001257387.3); c.932C>A, p.Thr311Asn (NM_001349956.3); c.1046C>A, p.Thr349Asn (NM_145862.3); short protein forms T421N, T311N, T349N, T378N, T157N.
Identifiers: ClinVar variation 1728989 (VCV001728989.2), dbSNP rs587780167, ClinGen allele CA411096990.